The following is an entry in ClinVar:

ClinVar aggregate classification (germline): Uncertain significance (1 of 4 stars; one submission).

Allele frequency attached by ClinVar (database versions not stated): TOPMed 0.00002.
gnomAD v4.1: 9 of 1,613,832 alleles (0.00056%); highest among the groups gnomAD compares: South Asian, 0.0033%; no homozygotes.

Submission:

Labcorp Genetics (formerly Invitae), Labcorp
Classification: Uncertain significance. Last evaluated: 2022-07-25. Review status: criteria provided, single submitter. Criteria: Invitae Variant Classification Sherloc (09022015). Collection method: clinical testing. Allele origin: germline.
Comment: In summary, the available evidence is currently insufficient to determine the role of this variant in disease. Therefore, it has been classified as a Variant of Uncertain Significance. Algorithms developed to predict the effect of missense changes on protein structure and function are either unavailable or do not agree on the potential impact of this missense change (SIFT: "Tolerated"; PolyPhen-2: "Possibly Damaging"; Align-GVGD: "Class C0"). This variant has not been reported in the literature in individuals affected with GPC6-related conditions. This variant is present in population databases (no rsID available, gnomAD 0.004%). This sequence change replaces glycine, which is neutral and non-polar, with alanine, which is neutral and non-polar, at codon 152 of the GPC6 protein (p.Gly152Ala).

NM_005708.5(GPC6):c.455G>C (p.Gly152Ala)

Genes: GPC6 (glypican 6; plus strand), GPC6-AS2 (GPC6 antisense RNA 2; minus strand). Cytogenetic location: 13q31.3.
Variant type: single nucleotide variant.
Coding change: c.455G>C on transcript NM_005708.5 (MANE Select); coding-DNA position 455, G replaced by C.
Protein change: p.Gly152Ala; replaces glycine 152 with alanine.
Molecular consequence: missense variant.
Genome position (GRCh38, 1-based): chr13:93,830,289, G>C. VCF-style: chr13-93830289-G-C. GRCh37 (hg19) VCF-style: chr13-94482542-G-C.
Other names: short protein forms G152A.
Identifiers: ClinVar variation 1978161 (VCV001978161.5), dbSNP rs1443646718, ClinGen allele CA388465350.